The following is an entry in ClinVar:

ClinVar aggregate classification (germline): Pathogenic (1 of 4 stars; one submission).

Conditions:
GNE myopathy (NM). Also called: INCLUSION BODY MYOPATHY, HEREDITARY, AUTOSOMAL RECESSIVE; INCLUSION BODY MYOPATHY 2, AUTOSOMAL RECESSIVE; IBM 2; NONAKA DISTAL MYOPATHY; MYOPATHY, DISTAL, WITH OR WITHOUT RIMMED VACUOLES; Inclusion body myopathy autosomal recessive. Identifiers: Orphanet 602, MedGen C1853926, MONDO:0011603, OMIM 605820.
Sialuria. Also called: SIALURIA, FRENCH TYPE; Sialic Acid Storage Disease. Identifiers: Orphanet 3166, MedGen C0342853, MONDO:0010028, OMIM 269921.

Submission:

Labcorp Genetics (formerly Invitae), Labcorp
Classification: Pathogenic for Sialuria; GNE myopathy. Last evaluated: 2021-01-25. Review status: criteria provided, single submitter. Criteria: Invitae Variant Classification Sherloc (09022015). Collection method: clinical testing. Allele origin: germline.
Comment: For these reasons, this variant has been classified as Pathogenic. This variant has not been reported in the literature in individuals with GNE-related conditions. This variant is not present in population databases (ExAC no frequency). This sequence change creates a premature translational stop signal (p.Met91Serfs*4) in the GNE gene. It is expected to result in an absent or disrupted protein product. Loss-of-function variants in GNE are known to be pathogenic (PMID: 24027297).

Literature cited by the submitters: PubMed 24027297.

NM_005476.7(GNE):c.174_177dup (p.Met60fs)

Gene: GNE (glucosamine (UDP-N-acetyl)-2-epimerase/N-acetylmannosamine kinase; minus strand). Cytogenetic location: 9p13.3.
Variant type: Duplication.
Coding change: c.174_177dup on transcript NM_005476.7 (MANE Select); coding-DNA positions 174 to 177, 4 bases duplicated (TCGA; older notation c.174_177dupTCGA).
Protein change: p.Met60fs; shifts the reading frame from methionine 60.
Molecular consequence: frameshift variant.
Genome position (GRCh38, 1-based): chr9:36,246,470-36,246,473, TCGA duplicated on the plus strand (TCGA on the coding strand, the reverse complement: GNE is on the minus strand); duplicating any 4 consecutive bases within chr9:36,246,470-36,246,474 gives the same sequence; the c. name uses the placement nearest the transcript's 3' end. VCF-style (leftmost placement, unchanged base first): chr9-36246469-T-TTCGA. GRCh37 (hg19) VCF-style: chr9-36246466-T-TTCGA.
Other names: c.267_270dup, p.Met91fs (NM_001128227.3); c.174_177dup, p.Met60fs (NM_001190383.3, NM_001374797.1); c.-4_-1dup, p.Met1fs (NM_001190384.3, NM_001190388.2, NM_001374798.1); short protein forms M1fs, M60fs, M91fs.
Identifiers: ClinVar variation 1448509 (VCV001448509.6), dbSNP rs2133114222, ClinGen allele CA2573144547.
Genomic context (GRCh38, chr9:36,246,469, plus strand): 5'-CTTCTCCCCTCACAATTGTGTGTAGCCTGGTGTTAATGTCAAAGTCATCTTGTTCAATCA[T>TTCGA]TCGATATGTATTTCTAAAGCCGGGGAGAAATAAAGATATAAGAACATGTTCTTAAACACA-3'